The following is an entry in ClinVar:

ClinVar aggregate classification (germline): Uncertain significance. Review status: criteria provided, multiple submitters, no conflicts (2 of 4 stars). 2 submissions from 2 submitters: Uncertain significance (2). Last evaluated 2022-07-12.

Conditions:
Jeune thoracic dystrophy. Also called: Short-rib thoracic dysplasia; Jeune syndrome; Infantile thoracic dystrophy; Thoracic pelvic phalangeal dystrophy; Jeune's syndrome; Chondroectodermal dysplasia-like syndrome. Identifiers: Orphanet 474, MedGen C0265275, MONDO:0018770.

Allele frequency attached by ClinVar (database versions not stated): ExAC 0.00003; gnomAD exomes 0.00005.
gnomAD v4.1: 49 of 1,611,514 alleles (0.003%); highest among the groups gnomAD compares: South Asian, 0.0033%; 1 homozygote.

Submissions (2):

Labcorp Genetics (formerly Invitae), Labcorp
Classification: Uncertain significance for Jeune thoracic dystrophy. Last evaluated: 2022-07-12. Review status: criteria provided, single submitter. Criteria: Invitae Variant Classification Sherloc (09022015). Collection method: clinical testing. Allele origin: germline.
Comment: This sequence change replaces arginine, which is basic and polar, with glutamine, which is neutral and polar, at codon 796 of the DYNC2H1 protein (p.Arg796Gln). This variant is present in population databases (rs747028260, gnomAD 0.008%). This variant has not been reported in the literature in individuals affected with DYNC2H1-related conditions. ClinVar contains an entry for this variant (Variation ID: 1436711). Advanced modeling of protein sequence and biophysical properties (such as structural, functional, and spatial information, amino acid conservation, physicochemical variation, residue mobility, and thermodynamic stability) performed at Invitae indicates that this missense variant is not expected to disrupt DYNC2H1 protein function. In summary, the available evidence is currently insufficient to determine the role of this variant in disease. Therefore, it has been classified as a Variant of Uncertain Significance.

Breakthrough Genomics
Classification: Uncertain significance. Review status: criteria provided, single submitter. Criteria: ACMG Guidelines, 2015. Collection method: not provided. Allele origin: germline. Inheritance: Autosomal recessive inheritance. Affected: yes.

NM_001377.3(DYNC2H1):c.2387G>A (p.Arg796Gln)

Gene: DYNC2H1 (dynein cytoplasmic 2 heavy chain 1; plus strand). Cytogenetic location: 11q22.3.
Variant type: single nucleotide variant.
Coding change: c.2387G>A on transcript NM_001377.3 (MANE Select); coding-DNA position 2387, G replaced by A.
Protein change: p.Arg796Gln; replaces arginine 796 with glutamine.
Molecular consequence: missense variant.
Genome position (GRCh38, 1-based): chr11:103,135,761, G>A. VCF-style: chr11-103135761-G-A. GRCh37 (hg19) VCF-style: chr11-103006490-G-A.
Other names: c.2387G>A, p.Arg796Gln (NM_001080463.2); short protein forms R796Q.
Identifiers: ClinVar variation 1436711 (VCV001436711.4), dbSNP rs747028260, ClinGen allele CA6253030.
Genomic context (GRCh38, chr11:103,135,761, plus strand): 5'-GTTATTTATTTACTTTTAGACAGGGACGATTACAATTCAGGCCCCCTTTTGAAGAAATCC[G>A]GGCTAAATATTATAGAGAAATGAAGAGATTCATCGGCATTCCAAATCAGTTTAAGGGAGT-3'
Protein context (NP_001368.2, residues 786-806): LQFRPPFEEI[Arg796Gln]AKYYREMKRF